The following is an entry in ClinVar:

ClinVar aggregate classification (germline): Uncertain significance (1 of 4 stars; one submission).

Submission:

Ambry Genetics
Classification: Uncertain significance. Last evaluated: 2021-12-27. Review status: criteria provided, single submitter. Criteria: Ambry Variant Classification Scheme 2023. Collection method: clinical testing. Allele origin: germline.
Comment: The p.T714A variant (also known as c.2140A>G), located in coding exon 21 of the KIF1B gene, results from an A to G substitution at nucleotide position 2140. The threonine at codon 714 is replaced by alanine, an amino acid with similar properties. This amino acid position is highly conserved in available vertebrate species. In addition, the in silico prediction for this alteration is inconclusive. Since supporting evidence is limited at this time, the clinical significance of this alteration remains unclear.

NM_001365951.3(KIF1B):c.2278A>G (p.Thr760Ala)

Gene: KIF1B (kinesin family member 1B; plus strand). Cytogenetic location: 1p36.22.
Variant type: single nucleotide variant.
Coding change: c.2278A>G on transcript NM_001365951.3 (MANE Select); coding-DNA position 2278, A replaced by G.
Protein change: p.Thr760Ala; replaces threonine 760 with alanine.
Molecular consequence: missense variant.
Genome position (GRCh38, 1-based): chr1:10,321,777, A>G. VCF-style: chr1-10321777-A-G. GRCh37 (hg19) VCF-style: chr1-10381835-A-G.
Other names: c.2278A>G, p.Thr760Ala (NM_001365952.1); c.2140A>G, p.Thr714Ala (NM_015074.3); short protein forms T714A, T760A.
Identifiers: ClinVar variation 1786576 (VCV001786576.2), dbSNP rs2521607158, ClinGen allele CA338332857.